The following is an entry in ClinVar:

ClinVar aggregate classification (germline): Likely pathogenic. Review status: criteria provided, multiple submitters, no conflicts (2 of 4 stars). 5 submissions from 5 submitters: Likely pathogenic (5). Last evaluated 2025-12-03.

Conditions:
Cardiovascular phenotype. Identifiers: MedGen CN230736.
TTN-related disorder. Also called: TTN-related condition; TTN-related disease; TTN-related disorders.
Autosomal recessive limb-girdle muscular dystrophy type 2J (LGMDR10). Also called: MUSCULAR DYSTROPHY, LIMB-GIRDLE, AUTOSOMAL RECESSIVE 10; Limb-girdle muscular dystrophy, type 2J. Identifiers: Orphanet 140922, MedGen C1837342, MONDO:0012127, OMIM 608807.
Dilated cardiomyopathy 1G (CMD1G). Identifiers: Orphanet 154, MedGen C1858763, MONDO:0011400, OMIM 604145.
Cardiomyopathy (CMYO). Also called: Cardiomyopathies. Identifiers: Orphanet 167848, MedGen C0878544, MONDO:0004994, HP:0001638. Inheritance: Various modes of inheritance.

Submissions (5):

Ambry Genetics
Classification: Likely pathogenic for Cardiovascular phenotype. Last evaluated: 2025-12-03. Review status: criteria provided, single submitter. Criteria: Ambry Variant Classification Scheme 2023. Collection method: clinical testing. Allele origin: germline.
Comment: The c.40226delA variant, located in coding exon 146 of the TTN gene, results from a deletion of one nucleotide at nucleotide position 40226, causing a translational frameshift with a predicted alternate stop codon (p.K13409Sfs*14). This exon is located in the A-band region of the N2-B isoform of the titin protein and is constitutively expressed in TTN transcripts (percent spliced in or PSI 100%). This variant was reported in individual(s) with features consistent with dilated cardiomyopathy (Mazzarotto F et al. Circulation, 2020 Feb;141:387-398; Murphy J et al. Ir J Med Sci, 2024 Aug;193:1775-1785). Note, this variant is also referred to as NM_001267550.1:c.67421delA, p.K22474Sfs*14 in the literature. This variant is considered to be rare based on population cohorts in the Genome Aggregation Database (gnomAD). This variant is expected to result in loss of function by premature protein truncation or nonsense-mediated mRNA decay. While truncating variants in TTN are present in 1-3% of the general population, truncating variants in the A-band are the most common cause of dilated cardiomyopathy (Herman DS et al. N. Engl. J. Med., 2012 Feb;366:619-28; Roberts AM et al. Sci Transl Med, 2015 Jan;7:270ra6). TTN truncating variants encoded in constitutive exons (PSI >90%) have been found to be significantly associated with DCM regardless of their position in titin (Schafer S et al. Nat. Genet., 2017 01;49:46-53; Akhtar MM et al. Circ Heart Fail, 2020 Oct;13:e006832; Massier M et al. Clin Genet, 2025 Jan). Based on the majority of available evidence to date, this variant is likely to be pathogenic.

Labcorp Genetics (formerly Invitae), Labcorp
Classification: Likely pathogenic for Dilated cardiomyopathy 1G; Autosomal recessive limb-girdle muscular dystrophy type 2J. Last evaluated: 2025-11-10. Review status: criteria provided, single submitter. Criteria: Invitae Variant Classification Sherloc (09022015). Collection method: clinical testing. Allele origin: germline.
Comment: This sequence change creates a premature translational stop signal (p.Lys22474Serfs*14) in the TTN gene. While this is not anticipated to result in nonsense mediated decay, it is expected to create a truncated TTN protein. This variant is not present in population databases (gnomAD no frequency). This premature translational stop signal has been observed in individual(s) with dilated cardiomyopathy (PMID: 31983221, 37767697). ClinVar contains an entry for this variant (Variation ID: 202459). This variant is located in the A band of TTN (PMID: 25589632). Truncating variants in this region are significantly overrepresented in patients affected with dilated cardiomyopathy (PMID: 25589632). Truncating variants in this region have also been reported in individuals affected with autosomal recessive centronuclear myopathy (PMID: 23975875). In summary, the currently available evidence indicates that the variant is pathogenic, but additional data are needed to prove that conclusively. Therefore, this variant has been classified as Likely Pathogenic.

Clinical Genomics Laboratory, Stanford Medicine
Classification: Likely pathogenic for Dilated cardiomyopathy 1G. Last evaluated: 2023-01-24. Review status: criteria provided, single submitter. Criteria: ACMG Guidelines, 2015. Collection method: clinical testing. Allele origin: germline. Inheritance: Autosomal dominant inheritance. Affected: yes. Observed: 1 variant allele, 1 heterozygote.
Comment: The p.Lys22474Serfs*14 variant in the TTN gene has been previously reported in an individual with dilated cardiomyopathy (Mazzarotto et al., 2020). This variant has also been previously reported in a population biobank (Jurgens et al., 2022). This variant was absent from large population databases, including the Genome Aggregation Database. This variant is present in ClinVar (Accession: VCV000202459.11). This variant results in a 1 bp deletion in exon 319 of 363 exons, causing a shift in the protein reading frame and leading to a premature termination codon 14 amino acids downstream, which may cause loss of normal protein function through either protein truncation or nonsense-mediated decay. This variant is located in the A-band of the titin protein. Loss-of function variants in the A-band have an established association with dilated cardiomyopathy (Morales et al., 2020). These data were assessed using the ACMG/AMP variant interpretation guidelines. In summary, there is sufficient evidence to classify the p.Lys22474Serfs*14 variant as likely pathogenic for autosomal dominant dilated cardiomyopathy based on the information above. [ACMG evidence codes used: PVS1_Strong; PM2; PS4_Supporting]

CHEO Genetics Diagnostic Laboratory, Children's Hospital of Eastern Ontario
Classification: Likely pathogenic for Cardiomyopathy. Last evaluated: 2021-08-16. Review status: criteria provided, single submitter. Criteria: ACMG Guidelines, 2015. Collection method: clinical testing. Allele origin: germline.

Blueprint Genetics
Classification: Likely pathogenic for TTN-related disorders. Last evaluated: 2020-01-30. Review status: criteria provided, single submitter. Criteria: ACMG Guidelines, 2015. Collection method: clinical testing. Allele origin: germline. Affected: yes. Observed: 2 variant alleles.

Literature cited by the submitters: PubMed 31983221 (cited by 3 submitters); PubMed 38489124 (cited by Ambry Genetics); PubMed 37767697 (cited by Labcorp Genetics (formerly Invitae), Labcorp); PubMed 25589632 (cited by Labcorp Genetics (formerly Invitae), Labcorp); PubMed 23975875 (cited by Labcorp Genetics (formerly Invitae), Labcorp); PubMed 35177841 (cited by Clinical Genomics Laboratory, Stanford Medicine); PubMed 32160020 (cited by Clinical Genomics Laboratory, Stanford Medicine).

NM_001267550.2(TTN):c.67421del (p.Lys22474fs)

Genes: TTN (titin; minus strand), TTN-AS1 (TTN antisense RNA 1; plus strand), LOC126806423 (CDK7 strongly-dependent group 2 enhancer GRCh37_chr2:179443309-179444508; plus strand). Cytogenetic location: 2q31.2.
Variant type: Deletion.
Coding change: c.67421del on transcript NM_001267550.2 (MANE Select); coding-DNA position 67421, one base deleted (A; older notation c.67421delA).
Protein change: p.Lys22474fs; shifts the reading frame from lysine 22474.
Molecular consequence: frameshift variant.
Genome position (GRCh38, 1-based): chr2:178,579,776, T deleted on the plus strand (A on the coding strand, the reverse complement: TTN is on the minus strand); the first of 5 consecutive T bases (chr2:178,579,776-178,579,780); deleting any one gives the same sequence. VCF-style (leftmost placement, unchanged base first): chr2-178579775-CT-C. GRCh37 (hg19) VCF-style: chr2-179444502-CT-C.
Other names: c.40226delA (NM_003319.4); c.67421delA (NM_001267550.1); c.62498del, p.Lys20833fs (NM_001256850.1); c.40226del, p.Lys13409fs (NM_003319.4); c.59717del, p.Lys19906fs (NM_133378.4); c.40601del, p.Lys13534fs (NM_133432.3); c.40802del, p.Lys13601fs (NM_133437.4); short protein forms K13409fs, K13601fs, K13534fs, K19906fs, K20833fs, K22474fs.
Identifiers: ClinVar variation 202459 (VCV000202459.14), dbSNP rs794729332, ClinGen allele CA309421.
Genomic context (GRCh38, chr2:178,579,775, plus strand): 5'-TTCTTCAGTCAGGAAATCAACTACATATCCAATAATCCGACTTCCACCATCACTGTGAGG[CT>C]TTTTCCAGCCAATGCTACAGGATGACTTAGATACAGACCTCACTTTCAGGTCCACAACTG-3'